The following is an entry in ClinVar:

NM_012338.4(TSPAN12):c.875T>C (p.Met292Thr)

Gene: TSPAN12 (tetraspanin 12; minus strand). Cytogenetic location: 7q31.31.
Variant type: single nucleotide variant.
Coding change: c.875T>C on transcript NM_012338.4 (MANE Select); coding-DNA position 875, T replaced by C.
Protein change: p.Met292Thr; replaces methionine 292 with threonine.
Molecular consequence: missense variant.
Genome position (GRCh38, 1-based): chr7:120,788,635, A>G on the plus strand (T>C on the coding strand, the complement: TSPAN12 is on the minus strand). VCF-style: chr7-120788635-A-G. GRCh37 (hg19) VCF-style: chr7-120428689-A-G.
Other names: short protein forms M292T.
Identifiers: ClinVar variation 944541 (VCV000944541.11), dbSNP rs372498612, ClinGen allele CA4453786.
Genomic context (GRCh38, chr7:120,788,635, plus strand): 5'-TTCTGTGACATTTCTTTTTATAACTCCTCCATCTCAAAGTGTGTATTAAAGCTGTTTGCC[A>G]TGGATGTGTGTTCAAAGATTCTTGACAGGCTTGGTTTCAACAGTTCTACTGAGGGACATG-3'
Protein context (NP_036470.1, residues 282-302): SLSRIFEHTS[Met292Thr]ANSFNTHFEM

ClinVar aggregate classification (germline): Uncertain significance. Review status: criteria provided, multiple submitters, no conflicts (2 of 4 stars). 3 submissions from 3 submitters: Uncertain significance (3). Last evaluated 2025-10-16.

Conditions:
Inborn genetic diseases. Identifiers: MedGen C0950123, MeSH D030342.

Allele frequency attached by ClinVar (database versions not stated): gnomAD 0.00005 and 0.00006; TOPMed 0.00005; ESP Exome Variant Server 0.00008.

Submissions (3):

Labcorp Genetics (formerly Invitae), Labcorp
Classification: Uncertain significance. Last evaluated: 2025-10-16. Review status: criteria provided, single submitter. Criteria: Invitae Variant Classification Sherloc (09022015). Collection method: clinical testing. Allele origin: germline.
Comment: This sequence change replaces methionine, which is neutral and non-polar, with threonine, which is neutral and polar, at codon 292 of the TSPAN12 protein (p.Met292Thr). This variant is present in population databases (rs372498612, gnomAD 0.006%). This variant has not been reported in the literature in individuals affected with TSPAN12-related conditions. ClinVar contains an entry for this variant (Variation ID: 944541). An algorithm developed to predict the effect of missense changes on protein structure and function (PolyPhen-2) suggests that this variant is likely to be tolerated. In summary, the available evidence is currently insufficient to determine the role of this variant in disease. Therefore, it has been classified as a Variant of Uncertain Significance.

Ambry Genetics
Classification: Uncertain significance for Inborn genetic diseases. Last evaluated: 2025-08-11. Review status: criteria provided, single submitter. Criteria: Ambry Variant Classification Scheme 2023. Collection method: clinical testing. Allele origin: germline.

Blueprint Genetics
Classification: Uncertain significance. Last evaluated: 2024-07-16. Review status: criteria provided, single submitter. Criteria: ACMG Guidelines, 2015. Collection method: clinical testing. Allele origin: germline.